The following is an entry in ClinVar:

ClinVar aggregate classification (germline): Uncertain significance. Review status: criteria provided, single submitter (1 of 4 stars). 2 submissions from 2 submitters: Uncertain significance (1). 1 of the submissions does not count toward it.

Conditions:
Autosomal recessive limb-girdle muscular dystrophy type 2A (LGMDR1). Also called: Muscular dystrophy, limb-girdle, type 2A, Amish; LEYDEN-MOEBIUS MUSCULAR DYSTROPHY; MUSCULAR DYSTROPHY, PELVOFEMORAL; Limb-girdle muscular dystrophy, type 2A; Calpainopathy. Identifiers: Orphanet 267, MedGen C1869123, MONDO:0009675, OMIM 253600. Disease mechanism: loss of function.

Submissions (2):

Neuberg Centre For Genomic Medicine, NCGM
Classification: Uncertain significance for Autosomal recessive limb-girdle muscular dystrophy type 2A. Review status: criteria provided, single submitter. Criteria: ACMG Guidelines, 2015. Collection method: clinical testing. Allele origin: germline. Inheritance: Autosomal recessive inheritance. Affected: yes.
Comment: The missense variant c.689A>G (p.Asp230Gly) in CAPN3 gene has not been reported previously as a pathogenic variant nor as a benign variant, to our knowledge. The p.Asp230Gly variant is reported is novel (not in any individuals) in gnomAD Exomes and in1000 Genomes. This variant has been reported as uncertain significance to the ClinVar database. The amino acid Asp at position 230 is changed to a Gly changing protein sequence and it might alter its composition and physico-chemical properties. The variant is predicted to be damaging by both SIFT and PolyPhen2. The residue is conserved across species. The amino acid change p.Asp230Gly in CAPN3 is predicted as conserved by GERP++ and PhyloP across 100 vertebrates. For these reasons, this variant has been classified as Uncertain Significance.

Counsyl
Classification: Uncertain significance for Autosomal recessive limb-girdle muscular dystrophy type 2A. Last evaluated: 2018-01-02. Review status: no assertion criteria provided. Collection method: clinical testing. Allele origin: unknown. Not counted in ClinVar's aggregate classification.

Literature cited by the submitters: PubMed 16141003 (cited by Counsyl).

NM_000070.3(CAPN3):c.689A>G (p.Asp230Gly)

Gene: CAPN3 (calpain 3; plus strand). Cytogenetic location: 15q15.1.
Variant type: single nucleotide variant.
Coding change: c.689A>G on transcript NM_000070.3 (MANE Select); coding-DNA position 689, A replaced by G.
Protein change: p.Asp230Gly; replaces aspartic acid 230 with glycine.
Molecular consequence: missense variant.
Genome position (GRCh38, 1-based): chr15:42,388,984, A>G. VCF-style: chr15-42388984-A-G. GRCh37 (hg19) VCF-style: chr15-42681182-A-G.
Other names: c.689A>G, p.Asp230Gly (NM_024344.2, NM_173087.2); short protein forms D230G.
Identifiers: ClinVar variation 555878 (VCV000555878.3), dbSNP rs1555420629, ClinGen allele CA391998166.